The following is an entry in ClinVar:

ClinVar aggregate classification (germline): Uncertain significance (1 of 4 stars; one submission).

Conditions:
Cohen syndrome (COH1). Also called: PEPPER SYNDROME; Cutis verticis gyrata, retinitis pigmentosa, and sensorineural deafness. Identifiers: Orphanet 193, MedGen C0265223, MONDO:0008999, OMIM 216550.

Submission:

Labcorp Genetics (formerly Invitae), Labcorp
Classification: Uncertain significance for Cohen syndrome. Last evaluated: 2022-03-18. Review status: criteria provided, single submitter. Criteria: Invitae Variant Classification Sherloc (09022015). Collection method: clinical testing. Allele origin: germline.
Comment: This sequence change replaces leucine, which is neutral and non-polar, with valine, which is neutral and non-polar, at codon 2557 of the VPS13B protein (p.Leu2557Val). This variant is not present in population databases (gnomAD no frequency). This variant has not been reported in the literature in individuals affected with VPS13B-related conditions. Algorithms developed to predict the effect of missense changes on protein structure and function are either unavailable or do not agree on the potential impact of this missense change (SIFT: "Not Available"; PolyPhen-2: "Benign"; Align-GVGD: "Not Available"). In summary, the available evidence is currently insufficient to determine the role of this variant in disease. Therefore, it has been classified as a Variant of Uncertain Significance.

NM_152564.5(VPS13B):c.7594C>G (p.Leu2532Val)

Gene: VPS13B (vacuolar protein sorting 13 homolog B; plus strand). Cytogenetic location: 8q22.2.
Variant type: single nucleotide variant.
Coding change: c.7594C>G on transcript NM_152564.5 (MANE Select); coding-DNA position 7594, C replaced by G.
Protein change: p.Leu2532Val; replaces leucine 2532 with valine.
Molecular consequence: missense variant.
Genome position (GRCh38, 1-based): chr8:99,778,846, C>G. VCF-style: chr8-99778846-C-G. GRCh37 (hg19) VCF-style: chr8-100791074-C-G.
Other names: c.7669C>G, p.Leu2557Val (NM_017890.5); short protein forms L2532V, L2557V.
Identifiers: ClinVar variation 2142639 (VCV002142639.4), dbSNP rs750397558, ClinGen allele CA371876303.